The following is an entry in ClinVar:

NM_015335.5(MED13L):c.746dup (p.Lys250fs)

Gene: MED13L (mediator complex subunit 13L; minus strand). Cytogenetic location: 12q24.21.
Variant type: Duplication.
Coding change: c.746dup on transcript NM_015335.5 (MANE Select); coding-DNA position 746, one base duplicated (A; older notation c.746dupA).
Protein change: p.Lys250fs; shifts the reading frame from lysine 250.
Molecular consequence: frameshift variant.
Genome position (GRCh38, 1-based): chr12:116,019,852, T duplicated on the plus strand (A on the coding strand, the reverse complement: MED13L is on the minus strand); the first of 6 consecutive T bases (chr12:116,019,852-116,019,857); duplicating any one gives the same sequence. VCF-style (leftmost placement, unchanged base first): chr12-116019851-C-CT. GRCh37 (hg19) VCF-style: chr12-116457656-C-CT.
Other names: c.746dupA (NM_015335.5); short protein forms K250fs.
Identifiers: ClinVar variation 1690910 (VCV001690910.2), dbSNP rs1566014158, ClinGen allele CA2573148009.
Genomic context (GRCh38, chr12:116,019,851, plus strand): 5'-AACTGCCACAGGGAAATCATCATCATATCCCAACTCGTCTTCCTCTTTCGATTCTTCTTT[C>CT]TTTTTTAGCACCATCGGGTAGAAATACTGCCATTCCTCAATCAACTTACGAGTGGCTGGG-3'

ClinVar aggregate classification (germline): Likely pathogenic (1 of 4 stars; one submission).

Submission:

Laboratorio de Genetica e Diagnostico Molecular, Hospital Israelita Albert Einstein
Classification: Likely pathogenic. Last evaluated: 2019-03-13. Review status: criteria provided, single submitter. Criteria: ACMG Guidelines, 2015. Collection method: clinical testing. Allele origin: germline. Affected: yes.
Comment: ACMG classification criteria: PVS1, PM2